The following is an entry in ClinVar:

ClinVar aggregate classification (germline): Conflicting classifications of pathogenicity. Review status: criteria provided, conflicting classifications (1 of 4 stars). 2 submissions from 2 submitters: Uncertain significance (1); Likely benign (1). Last evaluated 2025-10-13.

Conditions:
Inborn genetic diseases. Identifiers: MedGen C0950123, MeSH D030342.

Allele frequency attached by ClinVar (database versions not stated): 1000 Genomes Project 0.00020; 1000 Genomes Project 30x 0.00031; TOPMed 0.00003; gnomAD 0.00001; gnomAD exomes 0.00002; ExAC 0.00005.
gnomAD v4.1: 15 of 1,614,242 alleles (0.00093%); highest among the groups gnomAD compares: Admixed American, 0.023%; no homozygotes.

Submissions (2):

Labcorp Genetics (formerly Invitae), Labcorp
Classification: Uncertain significance. Last evaluated: 2025-10-13. Review status: criteria provided, single submitter. Criteria: Invitae Variant Classification Sherloc (09022015). Collection method: clinical testing. Allele origin: germline.
Comment: This sequence change replaces threonine, which is neutral and polar, with alanine, which is neutral and non-polar, at codon 2161 of the TRRAP protein (p.Thr2161Ala). This variant is present in population databases (rs201703853, gnomAD 0.04%), and has an allele count higher than expected for a pathogenic variant. This variant has not been reported in the literature in individuals affected with TRRAP-related conditions. ClinVar contains an entry for this variant (Variation ID: 2376029). Invitae Evidence Modeling of protein sequence and biophysical properties (such as structural, functional, and spatial information, amino acid conservation, physicochemical variation, residue mobility, and thermodynamic stability) indicates that this missense variant is not expected to disrupt TRRAP protein function with a negative predictive value of 80%. In summary, the available evidence is currently insufficient to determine the role of this variant in disease. Therefore, it has been classified as a Variant of Uncertain Significance.

Ambry Genetics
Classification: Likely benign for Inborn genetic diseases. Last evaluated: 2022-05-18. Review status: criteria provided, single submitter. Criteria: Ambry Variant Classification Scheme 2023. Collection method: clinical testing. Allele origin: germline.

NM_001375524.1(TRRAP):c.6556A>G (p.Thr2186Ala)

Gene: TRRAP (transformation/transcription domain associated protein; plus strand). Cytogenetic location: 7q22.1.
Variant type: single nucleotide variant.
Coding change: c.6556A>G on transcript NM_001375524.1 (MANE Select); coding-DNA position 6556, A replaced by G.
Protein change: p.Thr2186Ala; replaces threonine 2186 with alanine.
Molecular consequence: missense variant.
Genome position (GRCh38, 1-based): chr7:98,961,327, A>G. VCF-style: chr7-98961327-A-G. GRCh37 (hg19) VCF-style: chr7-98558950-A-G.
Other names: c.6535A>G, p.Thr2179Ala (NM_001244580.2); c.6481A>G, p.Thr2161Ala (NM_003496.4); short protein forms T2186A, T2161A, T2179A.
Identifiers: ClinVar variation 2376029 (VCV002376029.5), dbSNP rs201703853, ClinGen allele CA4360908.